The following is an entry in ClinVar:

NM_001111.5(ADAR):c.1006G>A (p.Asp336Asn)

Gene: ADAR (adenosine deaminase RNA specific; minus strand). Cytogenetic location: 1q21.3.
Variant type: single nucleotide variant.
Coding change: c.1006G>A on transcript NM_001111.5 (MANE Select); coding-DNA position 1006, G replaced by A.
Protein change: p.Asp336Asn; replaces aspartic acid 336 with asparagine.
Molecular consequence: missense variant.
Genome position (GRCh38, 1-based): chr1:154,601,636, C>T on the plus strand (G>A on the coding strand, the complement: ADAR is on the minus strand). VCF-style: chr1-154601636-C-T. GRCh37 (hg19) VCF-style: chr1-154574112-C-T.
Other names: c.1006G>A, p.Asp336Asn (LRG_1212t1, NM_015840.4, NM_015841.4); c.121G>A, p.Asp41Asn (NM_001025107.3, NM_001193495.2, NM_001365046.1 and 3 more transcripts); c.1033G>A, p.Asp345Asn (NM_001365045.1); short protein forms D336N, D345N, D41N.
Identifiers: ClinVar variation 391740 (VCV000391740.14), dbSNP rs763575197, ClinGen allele CA1131604.
Genomic context (GRCh38, chr1:154,601,636, plus strand): 5'-TCAAATGCCATATGGGAGGGGTTGTCCCTTGTCTATAGACATCCCCCTGCCTTTCCATGT[C>T]AATTAGCACAGCATTTATATCTCGGGCCTTGGTAAGGCCAATATTTTTAGCCAAATTCAG-3'
Protein context (NP_001102.3, residues 326-346): KARDINAVLI[Asp336Asn]MERQGDVYRQ

ClinVar aggregate classification (germline): Uncertain significance. Review status: criteria provided, multiple submitters, no conflicts (2 of 4 stars). 5 submissions from 5 submitters: Uncertain significance (5). Last evaluated 2025-12-26.

Conditions:
ADAR-related disorder. Also called: ADAR-related condition; ADAR-related disorders.
Inborn genetic diseases. Identifiers: MedGen C0950123, MeSH D030342.
Aicardi-Goutieres syndrome 6 (AGS6). Identifiers: Orphanet 51, MedGen C3539013, MONDO:0014007, OMIM 615010.
Symmetrical dyschromatosis of extremities (DSH). Also called: RETICULATE ACROPIGMENTATION OF DOHI; SYMMETRIC DYSCHROMATOSIS OF THE EXTREMITIES; Dyschromatosis symmetrica hereditaria; DYSCHROMATOSIS SYMMETRICA HEREDITARIA 1. Identifiers: Orphanet 41, MedGen C0406775, MONDO:0007483, OMIM 127400.

Allele frequency attached by ClinVar (database versions not stated): ExAC 0.00002.
gnomAD v4.1: 4 of 1,613,812 alleles (0.00025%); highest among the groups gnomAD compares: Admixed American, 0.0067%; no homozygotes.

Submissions (5):

Labcorp Genetics (formerly Invitae), Labcorp
Classification: Uncertain significance for Aicardi-Goutieres syndrome 6; Symmetrical dyschromatosis of extremities. Last evaluated: 2025-12-26. Review status: criteria provided, single submitter. Criteria: Invitae Variant Classification Sherloc (09022015). Collection method: clinical testing. Allele origin: germline.
Comment: This sequence change replaces aspartic acid, which is acidic and polar, with asparagine, which is neutral and polar, at codon 336 of the ADAR protein (p.Asp336Asn). This variant is present in population databases (rs763575197, gnomAD 0.009%). This variant has not been reported in the literature in individuals affected with ADAR-related conditions. ClinVar contains an entry for this variant (Variation ID: 391740). Invitae Evidence Modeling of protein sequence and biophysical properties (such as structural, functional, and spatial information, amino acid conservation, physicochemical variation, residue mobility, and thermodynamic stability) indicates that this missense variant is not expected to disrupt ADAR protein function with a negative predictive value of 80%. In summary, the available evidence is currently insufficient to determine the role of this variant in disease. Therefore, it has been classified as a Variant of Uncertain Significance.

Ambry Genetics
Classification: Uncertain significance for Inborn genetic diseases. Last evaluated: 2025-02-07. Review status: criteria provided, single submitter. Criteria: Ambry Variant Classification Scheme 2023. Collection method: clinical testing. Allele origin: germline.

Genome-Nilou Lab
Classification: Uncertain significance for Aicardi-Goutieres syndrome 6. Last evaluated: 2023-04-11. Review status: criteria provided, single submitter. Criteria: ACMG Guidelines, 2015. Collection method: clinical testing. Allele origin: germline. Affected: no.

PreventionGenetics, part of Exact Sciences
Classification: Uncertain significance for ADAR-related condition. Last evaluated: 2023-03-20. Review status: criteria provided, single submitter. Criteria: ACMG Guidelines, 2015. Collection method: clinical testing. Allele origin: germline.
Comment: The ADAR c.1006G>A variant is predicted to result in the amino acid substitution p.Asp336Asn. To our knowledge, this variant has not been reported in the literature. This variant is reported in 0.0087% of alleles in individuals of Latino descent in gnomAD. At this time, the clinical significance of this variant is uncertain due to the absence of conclusive functional and genetic evidence.

GeneDx
Classification: Uncertain significance. Last evaluated: 2020-10-21. Review status: criteria provided, single submitter. Criteria: GeneDx Variant Classification Process June 2021. Collection method: clinical testing. Allele origin: germline. Affected: yes.
Comment: In silico analysis supports that this missense variant does not alter protein structure/function